The following is an entry in ClinVar:

NM_000245.4(MET):c.920_921del (p.Arg307fs)

Gene: MET (MET proto-oncogene, receptor tyrosine kinase; plus strand). Cytogenetic location: 7q31.2.
Variant type: Microsatellite.
Coding change: c.920_921del on transcript NM_000245.4 (MANE Select); coding-DNA positions 920 to 921, 2 bases deleted (GA; older notation c.920_921delGA).
Protein change: p.Arg307fs; shifts the reading frame from arginine 307.
Molecular consequence: frameshift variant. On other transcripts: intron variant (1).
Genome position (GRCh38, 1-based): chr7:116,700,004-116,700,005, GA deleted; deleting any 2 consecutive bases within chr7:116,700,001-116,700,005 gives the same sequence; the c. name uses the placement nearest the transcript's 3' end. VCF-style (leftmost placement, unchanged base first): chr7-116700000-AAG-A. GRCh37 (hg19) VCF-style: chr7-116340054-AAG-A.
Other names: c.920_921delGA (NM_001127500.1); c.918_919GA[1], p.Arg307Ilefs (NM_001127500.1); c.920_921del, p.Arg307fs (NM_001127500.3, NM_001324401.3); c.-91+27427_-91+27428del (NM_001324402.2); short protein forms R307fs.
Identifiers: ClinVar variation 3395105 (VCV003395105.1).

ClinVar aggregate classification (germline): Uncertain significance (1 of 4 stars; one submission).

Conditions:
Hereditary cancer-predisposing syndrome. Also called: Hereditary Cancer Syndrome; Tumor predisposition; Hereditary neoplastic syndrome; Neoplastic Syndromes, Hereditary. Identifiers: Orphanet 140162, MedGen C0027672, MeSH D009386, MONDO:0015356.

Submission:

Ambry Genetics
Classification: Uncertain significance for Hereditary cancer-predisposing syndrome. Last evaluated: 2024-07-12. Review status: criteria provided, single submitter. Criteria: Ambry Variant Classification Scheme 2023. Collection method: clinical testing. Allele origin: germline.
Comment: The c.920_921delGA variant, located in coding exon 1 of the MET gene, results from a deletion of two nucleotides at nucleotide positions 920 to 921, causing a translational frameshift with a predicted alternate stop codon (p.R307Ifs*8). This alteration is expected to result in protein truncation or nonsense-mediated mRNA decay. However, loss of function of MET has not been established as a mechanism of disease. Based on the available evidence, the clinical significance of this alteration remains unclear.